The following is an entry in ClinVar:

ClinVar aggregate classification (germline): Uncertain significance. Review status: criteria provided, multiple submitters, no conflicts (2 of 4 stars). 2 submissions from 2 submitters: Uncertain significance (2). Last evaluated 2024-04-25.

Conditions:
Nephronophthisis. Also called: Juvenile Nephronophthisis. Identifiers: Orphanet 655, MedGen C0687120, MONDO:0019005, HP:0000090.
Senior-Loken syndrome 4 (SLSN4). Identifiers: Orphanet 3156, MedGen C1846979, MONDO:0011756, OMIM 606996.
Nephronophthisis 4 (NPHP4). Also called: NEPHRONOPHTHISIS 4, JUVENILE. Identifiers: Orphanet 655, MedGen C1847013, MONDO:0011752, OMIM 606966.

Submissions (2):

Fulgent Genetics
Classification: Uncertain significance for Nephronophthisis 4; Senior-Loken syndrome 4. Last evaluated: 2024-04-25. Review status: criteria provided, single submitter. Criteria: ACMG Guidelines, 2015. Collection method: clinical testing. Allele origin: germline.

Labcorp Genetics (formerly Invitae), Labcorp
Classification: Uncertain significance for Nephronophthisis. Last evaluated: 2020-02-22. Review status: criteria provided, single submitter. Criteria: Invitae Variant Classification Sherloc (09022015). Collection method: clinical testing. Allele origin: germline.
Comment: This variant is not present in population databases (ExAC no frequency). In summary, the available evidence is currently insufficient to determine the role of this variant in disease. Therefore, it has been classified as a Variant of Uncertain Significance. Algorithms developed to predict the effect of missense changes on protein structure and function are either unavailable or do not agree on the potential impact of this missense change (SIFT: "Tolerated"; PolyPhen-2: "Possibly Damaging"; Align-GVGD: "Class C0"). This variant has not been reported in the literature in individuals with NPHP4-related conditions. This sequence change replaces glutamic acid with aspartic acid at codon 257 of the NPHP4 protein (p.Glu257Asp). The glutamic acid residue is moderately conserved and there is a small physicochemical difference between glutamic acid and aspartic acid.

NM_015102.5(NPHP4):c.771A>C (p.Glu257Asp)

Gene: NPHP4 (nephrocystin 4; minus strand). Cytogenetic location: 1p36.31.
Variant type: single nucleotide variant.
Coding change: c.771A>C on transcript NM_015102.5 (MANE Select); coding-DNA position 771, A replaced by C.
Protein change: p.Glu257Asp; replaces glutamic acid 257 with aspartic acid.
Molecular consequence: missense variant. On other transcripts: 5 prime UTR variant (1), non-coding transcript variant (1), intron variant (1).
Genome position (GRCh38, 1-based): chr1:5,952,739, T>G on the plus strand (A>C on the coding strand, the complement: NPHP4 is on the minus strand). VCF-style: chr1-5952739-T-G. GRCh37 (hg19) VCF-style: chr1-6012799-T-G.
Other names: c.-596A>C (NM_001291594.2); c.-556-4488A>C (NM_001291593.2); short protein forms E257D.
Identifiers: ClinVar variation 1036189 (VCV001036189.10), dbSNP rs1648398783, ClinGen allele CA338066740.